The following is an entry in ClinVar:

NM_001447.3(FAT2):c.11989G>A (p.Glu3997Lys)

Genes: FAT2 (FAT atypical cadherin 2; minus strand), SLC36A1 (solute carrier family 36 member 1; plus strand). Cytogenetic location: 5q33.1.
Variant type: single nucleotide variant.
Coding change: c.11989G>A on transcript NM_001447.3 (MANE Select); coding-DNA position 11989, G replaced by A.
Protein change: p.Glu3997Lys; replaces glutamic acid 3997 with lysine.
Molecular consequence: missense variant.
Genome position (GRCh38, 1-based): chr5:151,510,091, C>T on the plus strand (G>A on the coding strand, the complement: FAT2 is on the minus strand). VCF-style: chr5-151510091-C-T. GRCh37 (hg19) VCF-style: chr5-150889652-C-T.
Other names: short protein forms E3997K.
Identifiers: ClinVar variation 770918 (VCV000770918.36), dbSNP rs146458760, ClinGen allele CA3519893.

ClinVar aggregate classification (germline): Benign/Likely benign. Review status: criteria provided, multiple submitters, no conflicts (2 of 4 stars). 2 submissions from 2 submitters: Benign (1); Likely benign (1). Last evaluated 2026-07-01.

Allele frequency attached by ClinVar (database versions not stated): 1000 Genomes Project 30x 0.00078; 1000 Genomes Project 0.00100; TOPMed 0.00339; gnomAD 0.00419 and 0.00444; gnomAD exomes 0.00470 and 0.00562; ESP Exome Variant Server 0.00538; ExAC 0.00553.
gnomAD v4.1: 8,753 of 1,614,162 alleles (0.54%); highest among the groups gnomAD compares: Non-Finnish European, 0.64%; 45 homozygotes.

Submissions (2):

CeGaT Center for Human Genetics Tuebingen
Classification: Likely benign. Last evaluated: 2026-07-01. Review status: criteria provided, single submitter. Criteria: CeGaT Center For Human Genetics Tuebingen Variant Classification Criteria Version 2. Collection method: clinical testing. Allele origin: germline. Affected: yes. Observed: 13 variant alleles.
Comment: FAT2: PP2, BP4, BS2

Labcorp Genetics (formerly Invitae), Labcorp
Classification: Benign. Last evaluated: 2025-12-19. Review status: criteria provided, single submitter. Criteria: Invitae Variant Classification Sherloc (09022015). Collection method: clinical testing. Allele origin: germline.